The following is an entry in ClinVar:

NM_000517.6(HBA2):c.146T>G (p.Leu49Arg)

Genes: HBA2 (hemoglobin subunit alpha 2; plus strand), LOC106804612 (hemoglobin subunit alpha 2 recombination region; plus strand). Cytogenetic location: 16p13.3.
Variant type: single nucleotide variant.
Coding change: c.146T>G on transcript NM_000517.6 (MANE Select); coding-DNA position 146, T replaced by G.
Protein change: p.Leu49Arg; replaces leucine 49 with arginine.
Molecular consequence: missense variant.
Genome position (GRCh38, 1-based): chr16:173,175, T>G. VCF-style: chr16-173175-T-G. GRCh37 (hg19) VCF-style: chr16-223174-T-G.
Other names: L48R; short protein forms L49R.
Identifiers: ClinVar variation 15637 (VCV000015637.21), dbSNP rs41392146, ClinGen allele CA125571.

ClinVar aggregate classification (germline): Uncertain significance. Review status: criteria provided, multiple submitters, no conflicts (2 of 4 stars). 6 submissions from 5 submitters: Uncertain significance (3). 3 of the submissions do not count toward it. Last evaluated 2025-04-14.

Conditions:
HEMOGLOBIN BIRMINGHAM (USA).
HEMOGLOBIN MONTGOMERY.
alpha Thalassemia. Also called: Alpha thalassemia spectrum. Identifiers: Orphanet 846, MedGen C0002312, MONDO:0011399, OMIM 604131.

Allele frequency attached by ClinVar (database versions not stated): gnomAD 0.00001; TOPMed 0.00001.
gnomAD v4.1: 1 of 917,468 alleles (0.00011%); highest among the groups gnomAD compares: African/African-American, 0.0028%; no homozygotes.

Submissions (6):

Quest Diagnostics Nichols Institute San Juan Capistrano
Classification: Uncertain significance. Last evaluated: 2025-04-14. Review status: criteria provided, single submitter. Criteria: Quest Diagnostics criteria. Collection method: clinical testing. Allele origin: unknown.
Comment: The HBA2 c.146T>G (p.Leu49Arg) variant (also known as Hb Montgomery) has been reported to have normal stability (PMID: 7096113 (1982), 7803274 (1994)). Individuals who are heterozygous for this variant have a normal clinical presentation (HbVar, PMID: 1115799 (1975), 7295286 (1981), 7096113 (1982), 3384700 (1988), 7803274 (1994)). An individual presumably carrying this variant and the Hb C (HBB c.19G>A, p.Glu7Lys) variant has been described to be clinically healthy (PMID: 1115799 (1975)). The frequency of this variant in the general population (Genome Aggregation Database) is uninformative in the assessment of its pathogenicity. Analysis of this variant using bioinformatics tools for the prediction of the effect of amino acid changes on protein structure and function yielded conflicting predictions that this variant is benign or damaging. Based on the available information, we are unable to determine the clinical significance of this variant.

ARUP Laboratories, Molecular Genetics and Genomics, ARUP Laboratories
Classification: Uncertain significance. Last evaluated: 2024-06-12. Review status: criteria provided, single submitter. Criteria: ARUP Molecular Germline Variant Investigation Process 2024. Collection method: clinical testing. Allele origin: germline.
Comment: The Hb Montgomery variant (HBA2: c.146T>G; p.Leu49Arg, also known as Leu48Arg when numbered from the mature protein, rs41392146, HbVar ID: 69), is reported in the literature in individuals with no associated clinical symptoms, and is considered a stable hemoglobin variant (Molchanova 1994, HbVar and references therein). However, the phenotype of this variant in the presence of other alpha globin variants is unknown. This variant is reported in ClinVar (Variation ID: 15637), but is absent from the Genome Aggregation Database, indicating it is not a common polymorphism. The leucine at codon 49 is moderately conserved, and computational analyses predict that this variant is deleterious (REVEL: 0.754). Due to limited information, the clinical significance of the Hb Montgomery variant is uncertain at this time. References: Link to HbVar database: Molchanova T et al. The differences in quantities of alpha 2- and alpha 1-globin gene variants in heterozygotes. Br J Haematol. 1994 88(2):300-6. PMID: 7803274.

Women's Health and Genetics/Laboratory Corporation of America, LabCorp
Classification: Uncertain significance. Last evaluated: 2024-05-17. Review status: criteria provided, single submitter. Criteria: LabCorp Variant Classification Summary - May 2015. Collection method: clinical testing. Allele origin: germline.
Comment: Variant summary: HBA2 c.146T>G (p.Leu49Arg) results in a non-conservative amino acid change in the encoded protein sequence. Five of five in-silico tools predict a damaging effect of the variant on protein function. The frequency data for this variant in gnomAD is considered unreliable, as metrics indicate poor data quality at this position. c.146T>G has been reported in the literature as a stable hemoglobin variant in asymptomatic individuals (e.g. Brimhall_1975, Molchanova_1994). These reports do not provide unequivocal conclusions about association of the variant with Alpha Thalassemia. To our knowledge, no experimental evidence demonstrating an impact on protein function has been reported. The following publications have been ascertained in the context of this evaluation (PMID: 7803274, 1115799). ClinVar contains an entry for this variant (Variation ID: 15637). Based on the evidence outlined above, the variant was classified as uncertain significance.

OMIM
Classification: other for HEMOGLOBIN MONTGOMERY. Last evaluated: 2023-09-05. Review status: no assertion criteria provided. Collection method: literature only. Allele origin: germline. Not counted in ClinVar's aggregate classification.

OMIM
Classification: other for HEMOGLOBIN BIRMINGHAM (USA). Last evaluated: 2023-09-05. Review status: no assertion criteria provided. Collection method: literature only. Allele origin: germline. Not counted in ClinVar's aggregate classification.

Natera, Inc.
Classification: Uncertain significance for Alpha thalassemia. Last evaluated: 2018-11-01. Review status: no assertion criteria provided. Collection method: clinical testing. Allele origin: germline. Not counted in ClinVar's aggregate classification.

Literature cited by the submitters: PubMed 26635043 (cited by Quest Diagnostics Nichols Institute San Juan Capistrano); PubMed 7803274 (cited by Quest Diagnostics Nichols Institute San Juan Capistrano and Women's Health and Genetics/Laboratory Corporation of America, LabCorp); PubMed 1115799 (cited by 3 submitters); PubMed 7096113 (cited by Quest Diagnostics Nichols Institute San Juan Capistrano); PubMed 3384700 (cited by Quest Diagnostics Nichols Institute San Juan Capistrano and OMIM); PubMed 7295286 (cited by Quest Diagnostics Nichols Institute San Juan Capistrano); Huisman, T. H. J. Personal Communication. 1974. Augusta, Ga. (cited by OMIM); PubMed 13748254 (cited by OMIM); PubMed 2752146 (cited by OMIM).